The following is an entry in ClinVar:

NM_000535.7(PMS2):c.1051T>G (p.Leu351Val)

Gene: PMS2 (PMS1 homolog 2, mismatch repair system component; minus strand). Cytogenetic location: 7p22.1.
Variant type: single nucleotide variant.
Coding change: c.1051T>G on transcript NM_000535.7 (MANE Select); coding-DNA position 1051, T replaced by G.
Protein change: p.Leu351Val; replaces leucine 351 with valine.
Molecular consequence: missense variant. On other transcripts: non-coding transcript variant (1), intron variant (2).
Genome position (GRCh38, 1-based): chr7:5,989,893, A>C on the plus strand (T>G on the coding strand, the complement: PMS2 is on the minus strand). VCF-style: chr7-5989893-A-C. GRCh37 (hg19) VCF-style: chr7-6029524-A-C.
Other names: c.646T>G, p.Leu216Val (NM_001322003.2, NM_001322004.2, NM_001322005.2 and 1 more transcripts); c.733T>G, p.Leu245Val (NM_001322007.2, NM_001322008.2); c.118T>G, p.Leu40Val (NM_001322011.2, NM_001322012.2); c.478T>G, p.Leu160Val (NM_001322013.2); c.1051T>G, p.Leu351Val (NM_001322014.2); c.742T>G, p.Leu248Val (NM_001322015.2); c.583+2080T>G (NM_001322010.2); c.988+2080T>G (NM_001322006.2); short protein forms L160V, L216V, L245V, L248V, L351V, L40V.
Identifiers: ClinVar variation 1171036 (VCV001171036.5), dbSNP rs1554298759, ClinGen allele CA366742908.
Genomic context (GRCh38, chr7:5,989,893, plus strand): 5'-TTAGCTTGTTGACATCACTATCAAACATTCCTATCAAAGAGGTCTTTAAAACTGCCAACA[A>C]AAGCTTTTCCTCTTGTAGCAAAATTTGCCTTTTATCTGGAGTAACATTGATATCAACGCA-3'
Protein context (NP_000526.2, residues 341-361): RQILLQEEKL[Leu351Val]LAVLKTSLIG

ClinVar aggregate classification (germline): Uncertain significance. Review status: criteria provided, multiple submitters, no conflicts (2 of 4 stars). 2 submissions from 2 submitters: Uncertain significance (2). Last evaluated 2024-03-06.

Conditions:
Lynch syndrome. Identifiers: Orphanet 144, MedGen C4552100, MONDO:0005835. Disease mechanism: loss of function.
Hereditary cancer-predisposing syndrome. Also called: Tumor predisposition; Hereditary neoplastic syndrome; Hereditary Cancer Syndrome; Neoplastic Syndromes, Hereditary. Identifiers: Orphanet 140162, MedGen C0027672, MeSH D009386, MONDO:0015356.

Submissions (2):

Color Diagnostics, LLC DBA Color Health
Classification: Uncertain significance for Hereditary cancer-predisposing syndrome. Last evaluated: 2024-03-06. Review status: criteria provided, single submitter. Criteria: ACMG Guidelines, 2015. Collection method: clinical testing. Allele origin: germline.
Comment: This missense variant replaces leucine with valine at codon 351 of the PMS2 protein. Computational prediction is inconclusive regarding the impact of this variant on protein structure and function (internally defined REVEL score threshold 0.5 < inconclusive < 0.7, PMID: 27666373). To our knowledge, functional studies have not been reported for this variant. This variant has not been reported in individuals affected with PMS2-related disorders in the literature. This variant has not been identified in the general population by the Genome Aggregation Database (gnomAD). The available evidence is insufficient to determine the role of this variant in disease conclusively. Therefore, this variant is classified as a Variant of Uncertain Significance.

All of Us Research Program, National Institutes of Health
Classification: Uncertain significance for Lynch syndrome. Last evaluated: 2023-07-10. Review status: criteria provided, single submitter. Criteria: ACMG Guidelines, 2015. Collection method: clinical testing. Allele origin: germline. Inheritance: Autosomal dominant inheritance. Observed: 1 variant allele, 1 heterozygote.
Comment: This missense variant replaces leucine with valine at codon 351 of the PMS2 protein. Computational prediction is inconclusive regarding the impact of this variant on protein structure and function (internally defined REVEL score threshold 0.5 < inconclusive < 0.7, PMID: 27666373). To our knowledge, functional studies have not been reported for this variant. This variant has not been reported in individuals affected with PMS2-related disorders in the literature. This variant has not been identified in the general population by the Genome Aggregation Database (gnomAD). The available evidence is insufficient to determine the role of this variant in disease conclusively. Therefore, this variant is classified as a Variant of Uncertain Significance.

This study involves interpretation of variants in research participants for the purpose of population health screening. Participant phenotype was not available at the time of variant classification. Additional details can be found in publication PMID: 35346344, PMCID: PMC8962531